The following is an entry in ClinVar:

NM_020207.7(ERCC6L2):c.715G>A (p.Val239Ile)

Gene: ERCC6L2 (ERCC excision repair 6 like 2; plus strand). Cytogenetic location: 9q22.32.
Variant type: single nucleotide variant.
Coding change: c.715G>A on transcript NM_020207.7 (MANE Select); coding-DNA position 715, G replaced by A.
Protein change: p.Val239Ile; replaces valine 239 with isoleucine.
Molecular consequence: missense variant. On other transcripts: non-coding transcript variant (1).
Genome position (GRCh38, 1-based): chr9:95,907,198, G>A. VCF-style: chr9-95907198-G-A. GRCh37 (hg19) VCF-style: chr9-98669480-G-A.
Other names: c.715G>A, p.Val239Ile (NM_001010895.4, NM_001375291.1, NM_001375292.1 and 2 more transcripts); short protein forms V239I.
Identifiers: ClinVar variation 1488191 (VCV001488191.6), dbSNP rs776612926, ClinGen allele CA5139359.

ClinVar aggregate classification (germline): Uncertain significance. Review status: criteria provided, multiple submitters, no conflicts (2 of 4 stars). 2 submissions from 2 submitters: Uncertain significance (2). Last evaluated 2024-11-25.

Conditions:
Inborn genetic diseases. Identifiers: MedGen C0950123, MeSH D030342.

Allele frequency attached by ClinVar (database versions not stated): gnomAD exomes below 0.00001 and 0.00001; TOPMed below 0.00001; ExAC 0.00001; gnomAD 0.00001.
gnomAD v4.1: 2 of 1,613,382 alleles (0.00012%); highest among the groups gnomAD compares: Admixed American, 0.0017%; no homozygotes.

Submissions (2):

Ambry Genetics
Classification: Uncertain significance for Inborn genetic diseases. Last evaluated: 2024-11-25. Review status: criteria provided, single submitter. Criteria: Ambry Variant Classification Scheme 2023. Collection method: clinical testing. Allele origin: germline.
Comment: The p.V239I variant (also known as c.715G>A), located in coding exon 4 of the ERCC6L2 gene, results from a G to A substitution at nucleotide position 715. The valine at codon 239 is replaced by isoleucine, an amino acid with highly similar properties. This amino acid position is conserved. In addition, this alteration is predicted to be tolerated by in silico analysis. Based on the available evidence, the clinical significance of this variant remains unclear.

Labcorp Genetics (formerly Invitae), Labcorp
Classification: Uncertain significance. Last evaluated: 2021-08-14. Review status: criteria provided, single submitter. Criteria: Invitae Variant Classification Sherloc (09022015). Collection method: clinical testing. Allele origin: germline.
Comment: This sequence change replaces valine with isoleucine at codon 250 of the ERCC6L2 protein (p.Val250Ile). The valine residue is weakly conserved and there is a small physicochemical difference between valine and isoleucine. This variant is present in population databases (rs776612926, ExAC 0.01%). This variant has not been reported in the literature in individuals affected with ERCC6L2-related conditions. Algorithms developed to predict the effect of missense changes on protein structure and function output the following: SIFT: "Tolerated"; PolyPhen-2: "Not Available"; Align-GVGD: "Class C0". The isoleucine amino acid residue is found in multiple mammalian species, which suggests that this missense change does not adversely affect protein function. In summary, the available evidence is currently insufficient to determine the role of this variant in disease. Therefore, it has been classified as a Variant of Uncertain Significance.